The following is an entry in ClinVar:

ClinVar aggregate classification (germline): Likely benign (1 of 4 stars; one submission).

Submission:

CeGaT Center for Human Genetics Tuebingen
Classification: Likely benign. Last evaluated: 2024-03-01. Review status: criteria provided, single submitter. Criteria: CeGaT Center For Human Genetics Tuebingen Variant Classification Criteria Version 2. Collection method: clinical testing. Allele origin: germline. Affected: yes. Observed: 1 variant allele.
Comment: FLG: BP4, BP7

NM_002016.2(FLG):c.5634C>T (p.Ser1878=)

Genes: CCDST (cervical cancer associated DHX9 suppressive transcript; plus strand), FLG (filaggrin; minus strand). Cytogenetic location: 1q21.3.
Variant type: single nucleotide variant.
Coding change: c.5634C>T on transcript NM_002016.2 (MANE Select); coding-DNA position 5634, C replaced by T.
Protein change: p.Ser1878=; no amino-acid change (serine 1878 retained).
Molecular consequence: synonymous variant.
Genome position (GRCh38, 1-based): chr1:152,309,252, G>A on the plus strand (C>T on the coding strand, the complement: FLG is on the minus strand). VCF-style: chr1-152309252-G-A. GRCh37 (hg19) VCF-style: chr1-152281728-G-A.
Identifiers: ClinVar variation 3067414 (VCV003067414.21), dbSNP rs762859112, ClinGen allele CA420929197.